The following is an entry in ClinVar:

ClinVar aggregate classification (germline): Uncertain significance (1 of 4 stars; one submission).

Conditions:
Acyl-CoA oxidase deficiency. Also called: Peroxisomal acyl-CoA oxidase deficiency; STRAIGHT-CHAIN ACYL-CoA OXIDASE DEFICIENCY; Pseudoneonatal adrenoleukodystrophy. Identifiers: Orphanet 2971, MedGen C1849678, MONDO:0009919, OMIM 264470. Disease mechanism: loss of function.

gnomAD v4.1: 8 of 1,614,184 alleles (0.0005%); highest among the groups gnomAD compares: Non-Finnish European, 0.00068%; no homozygotes.

Submission:

Labcorp Genetics (formerly Invitae), Labcorp
Classification: Uncertain significance for Acyl-CoA oxidase deficiency. Last evaluated: 2021-12-24. Review status: criteria provided, single submitter. Criteria: Invitae Variant Classification Sherloc (09022015). Collection method: clinical testing. Allele origin: germline.
Comment: This sequence change replaces aspartic acid, which is acidic and polar, with glutamic acid, which is acidic and polar, at codon 83 of the ACOX1 protein (p.Asp83Glu). This variant is not present in population databases (gnomAD no frequency). This variant has not been reported in the literature in individuals affected with ACOX1-related conditions. Algorithms developed to predict the effect of missense changes on protein structure and function output the following: SIFT: "Tolerated"; PolyPhen-2: "Benign"; Align-GVGD: "Class C0". The glutamic acid amino acid residue is found in multiple mammalian species, which suggests that this missense change does not adversely affect protein function. In summary, the available evidence is currently insufficient to determine the role of this variant in disease. Therefore, it has been classified as a Variant of Uncertain Significance.

NM_004035.7(ACOX1):c.249T>G (p.Asp83Glu)

Gene: ACOX1 (acyl-CoA oxidase 1; minus strand). Cytogenetic location: 17q25.1.
Variant type: single nucleotide variant.
Coding change: c.249T>G on transcript NM_004035.7 (MANE Select); coding-DNA position 249, T replaced by G.
Protein change: p.Asp83Glu; replaces aspartic acid 83 with glutamic acid.
Molecular consequence: missense variant.
Genome position (GRCh38, 1-based): chr17:75,978,554, A>C on the plus strand (T>G on the coding strand, the complement: ACOX1 is on the minus strand). VCF-style: chr17-75978554-A-C. GRCh37 (hg19) VCF-style: chr17-73974635-A-C.
Other names: c.135T>G, p.Asp45Glu (NM_001185039.2); c.249T>G, p.Asp83Glu (NM_007292.6); short protein forms D83E, D45E.
Identifiers: ClinVar variation 2058865 (VCV002058865.1), dbSNP rs2546097860, ClinGen allele CA401082212.